The following is an entry in ClinVar:

NM_018060.4(IARS2):c.3028A>G (p.Ser1010Gly)

Gene: IARS2 (isoleucyl-tRNA synthetase 2, mitochondrial; plus strand). Cytogenetic location: 1q41.
Variant type: single nucleotide variant.
Coding change: c.3028A>G on transcript NM_018060.4 (MANE Select); coding-DNA position 3028, A replaced by G.
Protein change: p.Ser1010Gly; replaces serine 1010 with glycine.
Molecular consequence: missense variant.
Genome position (GRCh38, 1-based): chr1:220,147,624, A>G. VCF-style: chr1-220147624-A-G. GRCh37 (hg19) VCF-style: chr1-220320966-A-G.
Other names: short protein forms S1010G.
Identifiers: ClinVar variation 1370224 (VCV001370224.8), dbSNP rs2102845506, ClinGen allele CA344620446.

ClinVar aggregate classification (germline): Uncertain significance (1 of 4 stars; one submission).

Submission:

Labcorp Genetics (formerly Invitae), Labcorp
Classification: Uncertain significance. Last evaluated: 2022-11-08. Review status: criteria provided, single submitter. Criteria: Invitae Variant Classification Sherloc (09022015). Collection method: clinical testing. Allele origin: germline.
Comment: This variant has not been reported in the literature in individuals affected with IARS2-related conditions. This variant is not present in population databases (gnomAD no frequency). This sequence change replaces serine, which is neutral and polar, with glycine, which is neutral and non-polar, at codon 1010 of the IARS2 protein (p.Ser1010Gly). ClinVar contains an entry for this variant (Variation ID: 1370224). In summary, the available evidence is currently insufficient to determine the role of this variant in disease. Therefore, it has been classified as a Variant of Uncertain Significance. Algorithms developed to predict the effect of missense changes on protein structure and function output the following: SIFT: "Tolerated"; PolyPhen-2: "Benign"; Align-GVGD: "Class C0". The glycine amino acid residue is found in multiple mammalian species, which suggests that this missense change does not adversely affect protein function.